The following is an entry in ClinVar:

NM_018417.6(ADCY10):c.4482+3G>A

Gene: ADCY10 (adenylate cyclase 10; minus strand). Cytogenetic location: 1q24.2.
Variant type: single nucleotide variant.
Coding change: c.4482+3G>A on transcript NM_018417.6 (MANE Select); 3 bases into the intron after coding-DNA position 4482, G replaced by A.
Molecular consequence: intron variant.
Genome position (GRCh38, 1-based): chr1:167,818,069, C>T on the plus strand (G>A on the coding strand, the complement: ADCY10 is on the minus strand). VCF-style: chr1-167818069-C-T. GRCh37 (hg19) VCF-style: chr1-167787307-C-T.
Other names: p.?; c.4023+3G>A (NM_001167749.3); c.4206+3G>A (NM_001297772.2).
Identifiers: ClinVar variation 777954 (VCV000777954.12), dbSNP rs75209820, ClinGen allele CA1227022.
Genomic context (GRCh38, chr1:167,818,069, plus strand): 5'-AGGAAGTAGACAGAGATCCATTTAAGGCATATTTTATACTGGAAACTGGAGAATAGGCCT[C>T]ACCTTGAGTAGCTCCTCCCCACTGGCTTGGGCATTCTCTGACTGTTCTTTGATTTGTTTT-3'

ClinVar aggregate classification (germline): Benign. Review status: criteria provided, multiple submitters, no conflicts (2 of 4 stars). 3 submissions from 3 submitters: Benign (3). Last evaluated 2026-01-23.

Allele frequency attached by ClinVar (database versions not stated): ESP Exome Variant Server 0.01369; 1000 Genomes Project 30x 0.01499; 1000 Genomes Project 0.01518; gnomAD exomes 0.00366 and 0.00606; ExAC 0.00684; gnomAD 0.01171 and 0.01185; TOPMed 0.01240.
gnomAD v4.1: 7,287 of 1,614,096 alleles (0.45%); highest among the groups gnomAD compares: African/African-American, 3.5%; 87 homozygotes.

Submissions (3):

Labcorp Genetics (formerly Invitae), Labcorp
Classification: Benign. Last evaluated: 2026-01-23. Review status: criteria provided, single submitter. Criteria: Invitae Variant Classification Sherloc (09022015). Collection method: clinical testing. Allele origin: germline.

Mayo Clinic Laboratories, Mayo Clinic
Classification: Benign. Last evaluated: 2024-09-17. Review status: criteria provided, single submitter. Criteria: ACMG Guidelines, 2015. Collection method: clinical testing. Allele origin: germline. Observed: 3 variant alleles.
Comment: BS1, BS2, BP7

Breakthrough Genomics
Classification: Benign. Review status: criteria provided, single submitter. Criteria: ACMG Guidelines, 2015. Collection method: not provided. Allele origin: germline. Inheritance: Autosomal dominant inheritance. Affected: yes.